The following is an entry in ClinVar:

ClinVar aggregate classification (germline): Uncertain significance (1 of 4 stars; one submission).

gnomAD v4.1: 8 of 1,608,962 alleles (0.0005%); highest among the groups gnomAD compares: Non-Finnish European, 0.00042%; no homozygotes.

Submission:

GeneDx
Classification: Uncertain significance. Last evaluated: 2024-10-03. Review status: criteria provided, single submitter. Criteria: GeneDx Variant Classification Process June 2021. Collection method: clinical testing. Allele origin: germline. Affected: yes.
Comment: Not observed at significant frequency in large population cohorts (gnomAD); In silico analysis supports a deleterious effect on splicing; Has not been previously published as pathogenic or benign to our knowledge

NM_001114753.3(ENG):c.1273-3C>A

Genes: ENG (endoglin; minus strand), LOC102723566 (uncharacterized LOC102723566; plus strand). Cytogenetic location: 9q34.11.
Variant type: single nucleotide variant.
Coding change: c.1273-3C>A on transcript NM_001114753.3 (MANE Select); 3 bases into the intron before coding-DNA position 1273, C replaced by A.
Molecular consequence: intron variant.
Genome position (GRCh38, 1-based): chr9:127,819,663, G>T on the plus strand (C>A on the coding strand, the complement: ENG is on the minus strand). VCF-style: chr9-127819663-G-T. GRCh37 (hg19) VCF-style: chr9-130581942-G-T.
Other names: c.1273-3C>A (NM_000118.4); c.727-3C>A (NM_001278138.2).
Identifiers: ClinVar variation 3776699 (VCV003776699.1).